The following is an entry in ClinVar:

NM_016553.5(NUP62):c.313A>G (p.Thr105Ala)

Genes: IL4I1 (interleukin 4 induced 1; minus strand), NUP62 (nucleoporin 62; minus strand). Cytogenetic location: 19q13.33.
Variant type: single nucleotide variant.
Coding change: c.313A>G on transcript NM_016553.5 (MANE Select); coding-DNA position 313, A replaced by G.
Protein change: p.Thr105Ala; replaces threonine 105 with alanine.
Molecular consequence: missense variant. On other transcripts: intron variant (3).
Genome position (GRCh38, 1-based): chr19:49,909,495, T>C on the plus strand (A>G on the coding strand, the complement: NUP62 is on the minus strand). VCF-style: chr19-49909495-T-C. GRCh37 (hg19) VCF-style: chr19-50412752-T-C.
Other names: c.313A>G, p.Thr105Ala (NM_001193357.2, NM_012346.5, NM_153718.4 and 1 more transcripts); c.-227-5174A>G (NM_001258017.2, NM_172374.3); c.-285-5174A>G (NM_001258018.2); short protein forms T105A.
Identifiers: ClinVar variation 1979174 (VCV001979174.5), dbSNP rs774667706, ClinGen allele CA309555474.

ClinVar aggregate classification (germline): Uncertain significance. Review status: criteria provided, multiple submitters, no conflicts (2 of 4 stars). 2 submissions from 2 submitters: Uncertain significance (2). Last evaluated 2023-07-07.

Allele frequency attached by ClinVar (database versions not stated): gnomAD 0.00001; gnomAD exomes 0.00002.
gnomAD v4.1: 25 of 1,613,426 alleles (0.0015%); highest among the groups gnomAD compares: Non-Finnish European, 0.0021%; no homozygotes.

Submissions (2):

Labcorp Genetics (formerly Invitae), Labcorp
Classification: Uncertain significance. Last evaluated: 2023-07-07. Review status: criteria provided, single submitter. Criteria: Invitae Variant Classification Sherloc (09022015). Collection method: clinical testing. Allele origin: germline.
Comment: In summary, the available evidence is currently insufficient to determine the role of this variant in disease. Therefore, it has been classified as a Variant of Uncertain Significance. Algorithms developed to predict the effect of missense changes on protein structure and function output the following: SIFT: "Not Available"; PolyPhen-2: "Benign"; Align-GVGD: "Not Available". The alanine amino acid residue is found in multiple mammalian species, which suggests that this missense change does not adversely affect protein function. The frequency data for this variant in the population databases is considered unreliable, as metrics indicate poor data quality at this position in the gnomAD database. ClinVar contains an entry for this variant (Variation ID: 1979174). This variant has not been reported in the literature in individuals affected with NUP62-related conditions. This sequence change replaces threonine, which is neutral and polar, with alanine, which is neutral and non-polar, at codon 105 of the NUP62 protein (p.Thr105Ala).

Ambry Genetics
Classification: Uncertain significance. Last evaluated: 2023-04-05. Review status: criteria provided, single submitter. Criteria: Ambry Variant Classification Scheme 2023. Collection method: clinical testing. Allele origin: germline.